The following is an entry in ClinVar:

NM_001281740.3(FHOD3):c.2813A>G (p.Lys938Arg)

Gene: FHOD3 (formin homology 2 domain containing 3; plus strand). Cytogenetic location: 18q12.2.
Variant type: single nucleotide variant.
Coding change: c.2813A>G on transcript NM_001281740.3 (MANE Select); coding-DNA position 2813, A replaced by G.
Protein change: p.Lys938Arg; replaces lysine 938 with arginine.
Molecular consequence: missense variant.
Genome position (GRCh38, 1-based): chr18:36,718,111, A>G. VCF-style: chr18-36718111-A-G. GRCh37 (hg19) VCF-style: chr18-34298074-A-G.
Other names: c.2813A>G (NM_001281740.2); c.2237A>G, p.Lys746Arg (NM_001281739.3); c.2288A>G, p.Lys763Arg (NM_025135.5); short protein forms K746R, K763R, K938R.
Identifiers: ClinVar variation 4938790 (VCV004938790.2).

ClinVar aggregate classification (germline): Conflicting classifications of pathogenicity. Review status: criteria provided, conflicting classifications (1 of 4 stars). 2 submissions from 2 submitters: Uncertain significance (1); Likely benign (1). Last evaluated 2026-01-13.

Conditions:
FHOD3-related disorder. Also called: FHOD3-related condition.

gnomAD v4.1: 216 of 1,601,216 alleles (0.013%); highest among the groups gnomAD compares: Non-Finnish European, 0.017%; no homozygotes.

Submissions (2):

PreventionGenetics, part of Exact Sciences
Classification: Uncertain significance for FHOD3-related condition. Last evaluated: 2026-01-13. Review status: criteria provided, single submitter. Criteria: ACMG Guidelines, 2015. Collection method: clinical testing. Allele origin: germline.
Comment: The FHOD3 c.2813A>G variant is predicted to result in the amino acid substitution p.Lys938Arg. To our knowledge, this variant has not been reported in the literature. This variant is reported in 0.035% of alleles in individuals of European (Non-Finnish) descent in gnomAD. Although we suspect that this variant may be benign, at this time, the clinical significance of this variant is uncertain due to the absence of conclusive functional and genetic evidence.

Blueprint Genetics
Classification: Likely benign. Last evaluated: 2024-11-13. Review status: criteria provided, single submitter. Criteria: ACMG Guidelines, 2015. Collection method: clinical testing. Allele origin: germline.